The following is an entry in ClinVar:

ClinVar aggregate classification (germline): Pathogenic/Likely pathogenic. Review status: criteria provided, multiple submitters, no conflicts (2 of 4 stars). 3 submissions from 3 submitters: Pathogenic (1); Likely pathogenic (2). Last evaluated 2023-04-11.

Conditions:
Aicardi-Goutieres syndrome 6 (AGS6). Identifiers: Orphanet 51, MedGen C3539013, MONDO:0014007, OMIM 615010.
Symmetrical dyschromatosis of extremities (DSH). Also called: Dyschromatosis symmetrica hereditaria; DYSCHROMATOSIS SYMMETRICA HEREDITARIA 1; RETICULATE ACROPIGMENTATION OF DOHI; SYMMETRIC DYSCHROMATOSIS OF THE EXTREMITIES. Identifiers: Orphanet 41, MedGen C0406775, MONDO:0007483, OMIM 127400.

Submissions (3):

Genome-Nilou Lab
Classification: Likely pathogenic for Aicardi-Goutieres syndrome 6. Last evaluated: 2023-04-11. Review status: criteria provided, single submitter. Criteria: ACMG Guidelines, 2015. Collection method: clinical testing. Allele origin: germline. Affected: no.

Labcorp Genetics (formerly Invitae), Labcorp
Classification: Pathogenic for Aicardi-Goutieres syndrome 6; Symmetrical dyschromatosis of extremities. Last evaluated: 2022-08-22. Review status: criteria provided, single submitter. Criteria: Invitae Variant Classification Sherloc (09022015). Collection method: clinical testing. Allele origin: germline.
Comment: For these reasons, this variant has been classified as Pathogenic. ClinVar contains an entry for this variant (Variation ID: 664624). This premature translational stop signal has been observed in individual(s) with dyschromatosis symmetrica hereditaria (PMID: 25982145, 29536976). This variant is not present in population databases (gnomAD no frequency). This sequence change creates a premature translational stop signal (p.Lys1122*) in the ADAR gene. It is expected to result in an absent or disrupted protein product. Loss-of-function variants in ADAR are known to be pathogenic (PMID: 22974014).

MGZ Medical Genetics Center
Classification: Likely pathogenic for Aicardi-Goutieres syndrome 6. Last evaluated: 2022-01-11. Review status: criteria provided, single submitter. Criteria: ACMG Guidelines, 2015. Collection method: clinical testing. Allele origin: germline. Affected: yes. Observed: 1 variant allele.
Comment: ACMG criteria applied: PVS1, PM2_SUP

Literature cited by the submitters: PubMed 25982145 (cited by Labcorp Genetics (formerly Invitae), Labcorp); PubMed 29536976 (cited by Labcorp Genetics (formerly Invitae), Labcorp); PubMed 22974014 (cited by Labcorp Genetics (formerly Invitae), Labcorp).

NM_001111.5(ADAR):c.3363dup (p.Lys1122Ter)

Gene: ADAR (adenosine deaminase RNA specific; minus strand). Cytogenetic location: 1q21.3.
Variant type: Duplication.
Coding change: c.3363dup on transcript NM_001111.5 (MANE Select); coding-DNA position 3363, one base duplicated (T; older notation c.3363dupT).
Protein change: p.Lys1122Ter; replaces lysine 1122 with a stop codon.
Molecular consequence: nonsense.
Genome position (GRCh38, 1-based): chr1:154,585,297, A duplicated on the plus strand (T on the coding strand, the reverse complement: ADAR is on the minus strand). VCF-style (leftmost placement, unchanged base first): chr1-154585296-T-TA. GRCh37 (hg19) VCF-style: chr1-154557772-T-TA.
Other names: c.3363dup, p.Lys1122Ter (LRG_1212t1); c.2478dup, p.Lys827Ter (NM_001025107.3, NM_001193495.2, NM_001365046.1 and 2 more transcripts); c.3390dup, p.Lys1131Ter (NM_001365045.1); c.2400dup, p.Lys801Ter (NM_001365049.1); c.3285dup, p.Lys1096Ter (NM_015840.4); c.3228dup, p.Lys1077Ter (NM_015841.4); short protein forms K1077*, K1122*, K827*, K1131*, K1096*, K801*.
Identifiers: ClinVar variation 664624 (VCV000664624.11), dbSNP rs1571046959, ClinGen allele CA915941440.
Genomic context (GRCh38, chr1:154,585,296, plus strand): 5'-TACCGTCCAGGATCTCCAGGTCATAGCCATCAGCCAGACACCAGTTGACGCTTGTCTCCT[T>TA]AGTCTTCCCGGATTGCCTTTTGGAATCATATATGCTGACTCTGCCAACCTAGGAATCCCA-3'